The following is an entry in ClinVar:

ClinVar aggregate classification (germline): Likely pathogenic (1 of 4 stars; one submission).

Conditions:
Congenital hyperammonemia, type I. Also called: Carbamoyl phosphate synthetase I deficiency disease; Carbamoyl phosphate synthetase 1 deficiency; Hyperammonemia due to carbamoyl phosphate synthetase 1 deficiency; CPS 1 deficiency; Carbamyl phosphate synthetase (CPS) deficiency; Carbamoyl-phosphate synthase I deficiency. Identifiers: Orphanet 147, MedGen C4082171, MONDO:0009376, OMIM 237300.

Submission:

Myriad Genetics, Inc.
Classification: Likely pathogenic for Congenital hyperammonemia, type I. Last evaluated: 2020-01-13. Review status: criteria provided, single submitter. Criteria: Myriad Women's Health Autosomal Recessive and X-Linked Classification Criteria (2019). Collection method: clinical testing. Allele origin: unknown.
Comment: NM_001875.4(CPS1):c.2773G>T(E925*) is expected to be pathogenic in the context of carbamoylphosphate synthetase I deficiency. This variant is predicted to lead to an abnormal or absent protein product due to the creation of a premature termination codon in CPS1, a gene where loss-of-function variants are known to be pathogenic. Please note: this variant was assessed in the context of healthy population screening.

NM_001875.5(CPS1):c.2773G>T (p.Glu925Ter)

Gene: CPS1 (carbamoyl-phosphate synthase 1; plus strand). Cytogenetic location: 2q34.
Variant type: single nucleotide variant.
Coding change: c.2773G>T on transcript NM_001875.5 (MANE Select); coding-DNA position 2773, G replaced by T.
Protein change: p.Glu925Ter; replaces glutamic acid 925 with a stop codon.
Molecular consequence: nonsense. On other transcripts: non-coding transcript variant (2).
Genome position (GRCh38, 1-based): chr2:210,637,787, G>T. VCF-style: chr2-210637787-G-T. GRCh37 (hg19) VCF-style: chr2-211502511-G-T.
Other names: c.2773G>T, p.Glu925Ter (NM_001122633.3, NM_001369257.1); c.2806G>T, p.Glu936Ter (NM_001369256.1); short protein forms E925*, E936*.
Identifiers: ClinVar variation 983629 (VCV000983629.3), dbSNP rs1700084097, ClinGen allele CA350431065.